The following is an entry in ClinVar:

NM_007198.4(PLPBP):c.823C>G (p.His275Asp)

Gene: PLPBP (pyridoxal phosphate binding protein; plus strand). Cytogenetic location: 8p11.23.
Variant type: single nucleotide variant.
Coding change: c.823C>G on transcript NM_007198.4 (MANE Select); coding-DNA position 823, C replaced by G.
Protein change: p.His275Asp; replaces histidine 275 with aspartic acid.
Molecular consequence: missense variant.
Genome position (GRCh38, 1-based): chr8:37,778,099, C>G. VCF-style: chr8-37778099-C-G. GRCh37 (hg19) VCF-style: chr8-37635617-C-G.
Other names: c.853C>G, p.His285Asp (NM_001349346.2); c.817C>G, p.His273Asp (NM_001349347.2); c.667C>G, p.His223Asp (NM_001349348.2); short protein forms H275D, H223D, H285D, H273D.
Identifiers: ClinVar variation 1027732 (VCV001027732.1), dbSNP rs1803966484, ClinGen allele CA370669114.

ClinVar aggregate classification (germline): Uncertain significance (1 of 4 stars; one submission).

Conditions:
Epilepsy, early-onset, vitamin B6-dependent. Also called: EPILEPSY, EARLY-ONSET, 1, VITAMIN B6-DEPENDENT; PLPBP Deficiency. Identifiers: MedGen C4310632, MONDO:0015005, OMIM 617290.

Submission:

Baylor Genetics
Classification: Uncertain significance for Epilepsy, early-onset, vitamin B6-dependent. Last evaluated: 2020-02-07. Review status: criteria provided, single submitter. Criteria: ACMG Guidelines, 2015. Collection method: clinical testing. Allele origin: unknown. Affected: yes.
Comment: This variant was determined to be of uncertain significance according to ACMG Guidelines, 2015 [PMID:25741868].